The following is an entry in ClinVar:

NM_024426.6(WT1):c.1052C>A (p.Thr351Lys)

Gene: WT1 (WT1 transcription factor; minus strand). Cytogenetic location: 11p13.
Variant type: single nucleotide variant.
Coding change: c.1052C>A on transcript NM_024426.6 (MANE Select); coding-DNA position 1052, C replaced by A.
Protein change: p.Thr351Lys; replaces threonine 351 with lysine.
Molecular consequence: missense variant. On other transcripts: 5 prime UTR variant (1), non-coding transcript variant (1).
Genome position (GRCh38, 1-based): chr11:32,400,009, G>T on the plus strand (C>A on the coding strand, the complement: WT1 is on the minus strand). VCF-style: chr11-32400009-G-T. GRCh37 (hg19) VCF-style: chr11-32421555-G-T.
Other names: c.1037C>A (NM_024426.4); c.1001C>A, p.Thr334Lys (NM_000378.6, NM_001407045.1, NM_001407048.1 and 1 more transcripts); c.401C>A, p.Thr134Lys (NM_001198551.2); c.350C>A, p.Thr117Lys (NM_001198552.2); c.-137C>A (NM_001367854.1); c.1046C>A, p.Thr349Lys (NM_001407044.1); c.1052C>A, p.Thr351Lys (NM_001407046.1, NM_024424.5); c.929C>A, p.Thr310Lys (NM_001407047.1); and 3 more; short protein forms T134K, T117K, T310K, T334K, T97K, T293K, T346K, T349K.
Identifiers: ClinVar variation 2151717 (VCV002151717.5), dbSNP rs761627098, ClinGen allele CA064078.

ClinVar aggregate classification (germline): Uncertain significance. Review status: criteria provided, multiple submitters, no conflicts (2 of 4 stars). 2 submissions from 2 submitters: Uncertain significance (2). Last evaluated 2024-11-21.

Conditions:
Inborn genetic diseases. Identifiers: MedGen C0950123, MeSH D030342.
Drash syndrome (DDS). Also called: WILMS TUMOR AND PSEUDO- OR TRUE HERMAPHRODITISM; NEPHROPATHY, WILMS TUMOR, AND GENITAL ANOMALIES. Identifiers: Orphanet 220, MedGen C0950121, MONDO:0008682, OMIM 194080.
Frasier syndrome. Identifiers: Orphanet 347, MedGen C0950122, MeSH D052159, MONDO:0007635, OMIM 136680.
Wilms tumor 1 (WT1). Also called: Wilms tumor, somatic. Identifiers: Orphanet 654, MedGen CN033288, MONDO:0008679, OMIM 194070.
11p partial monosomy syndrome (WAGR). Also called: WAGR Complex; WAGR Spectrum Disorder; CHROMOSOME 11p13 DELETION SYNDROME; WAGR syndrome. Identifiers: Orphanet 893, MedGen C0206115, MONDO:0008681, OMIM 194072.

Allele frequency attached by ClinVar (database versions not stated): ExAC 0.00001; gnomAD 0.00001.
gnomAD v4.1: 1 of 1,614,118 alleles (0.000062%); highest among the groups gnomAD compares: Non-Finnish European, 0.000085%; no homozygotes.

Submissions (2):

Ambry Genetics
Classification: Uncertain significance for Inborn genetic diseases. Last evaluated: 2024-11-21. Review status: criteria provided, single submitter. Criteria: Ambry Variant Classification Scheme 2023. Collection method: clinical testing. Allele origin: germline.
Comment: The p.T346K variant (also known as c.1037C>A), located in coding exon 6 of the WT1 gene, results from a C to A substitution at nucleotide position 1037. The threonine at codon 346 is replaced by lysine, an amino acid with similar properties. This amino acid position is conserved. In addition, the in silico prediction for this alteration is inconclusive. Based on the available evidence, the clinical significance of this variant remains unclear.

Labcorp Genetics (formerly Invitae), Labcorp
Classification: Uncertain significance for Wilms tumor 1; Drash syndrome; 11p partial monosomy syndrome; Frasier syndrome. Last evaluated: 2023-05-11. Review status: criteria provided, single submitter. Criteria: Invitae Variant Classification Sherloc (09022015). Collection method: clinical testing. Allele origin: germline.
Comment: This variant is present in population databases (rs761627098, gnomAD 0.0009%). This sequence change replaces threonine, which is neutral and polar, with lysine, which is basic and polar, at codon 346 of the WT1 protein (p.Thr346Lys). This variant has not been reported in the literature in individuals affected with WT1-related conditions. In summary, the available evidence is currently insufficient to determine the role of this variant in disease. Therefore, it has been classified as a Variant of Uncertain Significance. An algorithm developed to predict the effect of missense changes on protein structure and function (PolyPhen-2) suggests that this variant is likely to be tolerated. ClinVar contains an entry for this variant (Variation ID: 2151717).